The following is an entry in ClinVar:

NM_001394998.1(TANC2):c.5011C>T (p.Arg1671Trp)

Gene: TANC2 (tetratricopeptide repeat, ankyrin repeat and coiled-coil containing 2; plus strand). Cytogenetic location: 17q23.3.
Variant type: single nucleotide variant.
Coding change: c.5011C>T on transcript NM_001394998.1 (MANE Select); coding-DNA position 5011, C replaced by T.
Protein change: p.Arg1671Trp; replaces arginine 1671 with tryptophan.
Molecular consequence: missense variant.
Genome position (GRCh38, 1-based): chr17:63,420,741, C>T. VCF-style: chr17-63420741-C-T. GRCh37 (hg19) VCF-style: chr17-61498102-C-T.
Other names: c.4789C>T, p.Arg1597Trp (NM_001411076.1); c.4759C>T, p.Arg1587Trp (NM_025185.4); short protein forms R1587W, R1597W, R1671W.
Identifiers: ClinVar variation 3350853 (VCV003350853.2).

ClinVar aggregate classification (germline): Uncertain significance. Review status: criteria provided, single submitter (1 of 4 stars). 2 submissions from 2 submitters: Uncertain significance (1). 1 of the submissions does not count toward it. Last evaluated 2024-07-05.

Conditions:
Intellectual developmental disorder with autistic features and language delay, with or without seizures. Identifiers: MedGen C5394447, MONDO:0030051, OMIM 618906.
TANC2-related disorder. Also called: TANC2-related condition.

gnomAD v4.1: 10 of 1,613,890 alleles (0.00062%); highest among the groups gnomAD compares: African/African-American, 0.004%; no homozygotes.

Submissions (2):

ARUP Laboratories, Molecular Genetics and Genomics, ARUP Laboratories
Classification: Uncertain significance for Intellectual developmental disorder with autistic features and language delay, with or without seizures. Last evaluated: 2024-07-05. Review status: criteria provided, single submitter. Criteria: ARUP Molecular Germline Variant Investigation Process 2024. Collection method: clinical testing. Allele origin: germline.

PreventionGenetics, part of Exact Sciences
Classification: Uncertain significance for TANC2-related condition. Last evaluated: 2024-03-05. Review status: no assertion criteria provided. Collection method: clinical testing. Allele origin: germline. Not counted in ClinVar's aggregate classification.
Comment: The TANC2 c.4759C>T variant is predicted to result in the amino acid substitution p.Arg1587Trp. To our knowledge, this variant has not been reported in the literature. This variant is reported in 0.0033% of alleles in individuals of South Asian descent in gnomAD. At this time, the clinical significance of this variant is uncertain due to the absence of conclusive functional and genetic evidence.